The following is an entry in ClinVar:

ClinVar aggregate classification (germline): Uncertain significance (1 of 4 stars; one submission).

Allele frequency attached by ClinVar (database versions not stated): 1000 Genomes Project 30x 0.00016; 1000 Genomes Project 0.00020.
gnomAD v4.1: 68 of 764,862 alleles (0.0089%); highest among the groups gnomAD compares: South Asian, 0.043%; no homozygotes.

Submission:

Labcorp Genetics (formerly Invitae), Labcorp
Classification: Uncertain significance. Last evaluated: 2023-06-26. Review status: criteria provided, single submitter. Criteria: Invitae Variant Classification Sherloc (09022015). Collection method: clinical testing. Allele origin: germline.
Comment: This variant occurs in the SNORD118 gene, which encodes an RNA molecule that does not result in a protein product. This variant is present in population databases (rs201784335, gnomAD 0.05%). This variant has not been reported in the literature in individuals affected with SNORD118-related conditions. ClinVar contains an entry for this variant (Variation ID: 1990421). Experimental studies and prediction algorithms are not available or were not evaluated, and the functional significance of this variant is currently unknown. In summary, the available evidence is currently insufficient to determine the role of this variant in disease. Therefore, it has been classified as a Variant of Uncertain Significance.

NR_033294.2(SNORD118):n.109G>A

Genes: SNORD118 (small nucleolar RNA, C/D box 118; minus strand), TMEM107 (transmembrane protein 107; minus strand). Cytogenetic location: 17p13.1.
Variant type: single nucleotide variant.
Molecular consequence: non-coding transcript variant (on NR_033294.2). On other transcripts: 3 prime UTR variant (5).
Genome position: GRCh38 VCF-style: chr17-8173480-C-T. GRCh37 (hg19) VCF-style: chr17-8076798-C-T.
Other names: c.*723G>A (NM_001351278.2, NM_001351279.2, NM_001351280.2 and 2 more transcripts).
Identifiers: ClinVar variation 1990421 (VCV001990421.3), dbSNP rs201784335, ClinGen allele CA8370612.